The following is an entry in ClinVar:

NM_001256789.3(CACNA1F):c.5093G>A (p.Ser1698Asn)

Gene: CACNA1F (calcium voltage-gated channel subunit alpha1 F; minus strand). Cytogenetic location: Xp11.23.
Variant type: single nucleotide variant.
Coding change: c.5093G>A on transcript NM_001256789.3 (MANE Select); coding-DNA position 5093, G replaced by A.
Protein change: p.Ser1698Asn; replaces serine 1698 with asparagine.
Molecular consequence: missense variant.
Genome position (GRCh38, 1-based): chrX:49,208,545, C>T on the plus strand (G>A on the coding strand, the complement: CACNA1F is on the minus strand). VCF-style: chrX-49208545-C-T. GRCh37 (hg19) VCF-style: chrX-49065005-C-T.
Other names: c.4931G>A, p.Ser1644Asn (NM_001256790.3); c.5126G>A, p.Ser1709Asn (NM_005183.4); short protein forms S1644N, S1698N, S1709N.
Identifiers: ClinVar variation 3605514 (VCV003605514.2).
Genomic context (GRCh38, chrX:49,208,545, plus strand): 5'-CACAATCTACTTCCAGACACTTGATAATACCTGTGGGTGTTGGATCCAGCCTGGGGCACA[C>T]TGGGCTGACTGGAGGTGGGAGTCCCCCTGTCATCATCACTGGGCCCAAAGGAGAGTGAAT-3'
Protein context (NP_001243718.1, residues 1688-1708): DRGTPTSSQP[Ser1698Asn]VPQAGSNTHR

ClinVar aggregate classification (germline): Uncertain significance (1 of 4 stars; one submission).

Submission:

Labcorp Genetics (formerly Invitae), Labcorp
Classification: Uncertain significance. Last evaluated: 2025-10-21. Review status: criteria provided, single submitter. Criteria: Invitae Variant Classification Sherloc (09022015). Collection method: clinical testing. Allele origin: germline.
Comment: This sequence change replaces serine, which is neutral and polar, with asparagine, which is neutral and polar, at codon 1709 of the CACNA1F protein (p.Ser1709Asn). This variant is not present in population databases (gnomAD no frequency). This variant has not been reported in the literature in individuals affected with CACNA1F-related conditions. ClinVar contains an entry for this variant (Variation ID: 3605514). An algorithm developed to predict the effect of missense changes on protein structure and function outputs the following: PolyPhen-2: "Benign". The asparagine amino acid residue is found in multiple mammalian species, which suggests that this missense change does not adversely affect protein function. In summary, the available evidence is currently insufficient to determine the role of this variant in disease. Therefore, it has been classified as a Variant of Uncertain Significance.